The following is an entry in ClinVar:

NM_000535.7(PMS2):c.1238A>G (p.Lys413Arg)

Gene: PMS2 (PMS1 homolog 2, mismatch repair system component; minus strand). Cytogenetic location: 7p22.1.
Variant type: single nucleotide variant.
Coding change: c.1238A>G on transcript NM_000535.7 (MANE Select); coding-DNA position 1238, A replaced by G.
Protein change: p.Lys413Arg; replaces lysine 413 with arginine.
Molecular consequence: missense variant. On other transcripts: non-coding transcript variant (1), intron variant (1).
Genome position (GRCh38, 1-based): chr7:5,987,527, T>C on the plus strand (A>G on the coding strand, the complement: PMS2 is on the minus strand). VCF-style: chr7-5987527-T-C. GRCh37 (hg19) VCF-style: chr7-6027158-T-C.
Other names: c.833A>G, p.Lys278Arg (NM_001018040.1, NM_001322003.2, NM_001322004.2 and 17 more transcripts); c.1082A>G, p.Lys361Arg (NM_001322006.2, NM_001406870.1); c.920A>G, p.Lys307Arg (NM_001322007.2, NM_001322008.2, NM_001406876.1 and 2 more transcripts); c.677A>G, p.Lys226Arg (NM_001322010.2, NM_001406906.1, NM_001406907.1); c.305A>G, p.Lys102Arg (NM_001322011.2, NM_001322012.2); c.665A>G, p.Lys222Arg (NM_001322013.2, NM_001406909.1); c.1238A>G, p.Lys413Arg (NM_001322014.2, NM_001406871.1, NM_001406872.1); c.929A>G, p.Lys310Arg (NM_001322015.2, NM_001406875.1, NM_001406877.1 and 5 more transcripts); and 13 more; short protein forms K102R, K156R, K222R, K226R, K242R, K255R, K258R, K278R.
Identifiers: ClinVar variation 3075525 (VCV003075525.3), dbSNP rs1445088475, ClinGen allele CA366742503.

ClinVar aggregate classification (germline): Conflicting classifications of pathogenicity. Review status: criteria provided, conflicting classifications (1 of 4 stars). 3 submissions from 3 submitters: Uncertain significance (1); Likely benign (2). Last evaluated 2024-11-27.

Conditions:
Hereditary cancer-predisposing syndrome. Also called: Neoplastic Syndromes, Hereditary; Tumor predisposition; Hereditary Cancer Syndrome; Hereditary neoplastic syndrome. Identifiers: Orphanet 140162, MedGen C0027672, MeSH D009386, MONDO:0015356.
Lynch syndrome. Identifiers: Orphanet 144, MedGen C4552100, MONDO:0005835. Disease mechanism: loss of function.

Allele frequency attached by ClinVar (database versions not stated): gnomAD exomes 0.00003; gnomAD 0.00005.

Submissions (3):

Blueprint Genetics
Classification: Likely benign. Last evaluated: 2024-11-27. Review status: criteria provided, single submitter. Criteria: ACMG Guidelines, 2015. Collection method: clinical testing. Allele origin: germline.

Ambry Genetics
Classification: Likely benign for Hereditary cancer-predisposing syndrome. Last evaluated: 2024-07-06. Review status: criteria provided, single submitter. Criteria: Ambry Variant Classification Scheme 2023. Collection method: clinical testing. Allele origin: germline.

All of Us Research Program, National Institutes of Health
Classification: Uncertain significance for Lynch syndrome. Last evaluated: 2024-02-05. Review status: criteria provided, single submitter. Criteria: ACMG Guidelines, 2015. Collection method: clinical testing. Allele origin: germline. Inheritance: Autosomal dominant inheritance. Observed: 10 variant alleles, 10 heterozygotes.
Comment: This missense variant replaces lysine with arginine at codon 413 of the PMS2 protein. Computational prediction suggests that this variant may not impact protein structure and function (internally defined REVEL score threshold <= 0.5, PMID: 27666373). To our knowledge, functional studies have not been reported for this variant. This variant has not been reported in individuals affected with hereditary cancer in the literature, although a different variant resulting in the same protein change has been reported in an individual affected with lung adenocarcinoma (PMID: 27060149). This variant has been identified in 2/282316 chromosomes in the general population by the Genome Aggregation Database (gnomAD). The available evidence is insufficient to determine the role of this variant in disease conclusively. Therefore, this variant is classified as a Variant of Uncertain Significance.

This study involves interpretation of variants in research participants for the purpose of population health screening. Participant phenotype was not available at the time of variant classification. Additional details can be found in publication PMID: 35346344, PMCID: PMC8962531

Literature cited by the submitters: PubMed 27060149 (cited by All of Us Research Program, National Institutes of Health).